The following is an entry in ClinVar:

ClinVar aggregate classification (germline): Uncertain significance. Review status: criteria provided, multiple submitters, no conflicts (2 of 4 stars). 2 submissions from 2 submitters: Uncertain significance (2). Last evaluated 2023-12-13.

Conditions:
Cardiac arrhythmia. Also called: Arrhythmia; Cardiac rhythm disease. Identifiers: MedGen C0003811, MONDO:0007263, HP:0011675.

Allele frequency attached by ClinVar (database versions not stated): TOPMed below 0.00001.

Submissions (2):

Color Diagnostics, LLC DBA Color Health
Classification: Uncertain significance for Cardiac arrhythmia. Last evaluated: 2023-12-13. Review status: criteria provided, single submitter. Criteria: ACMG Guidelines, 2015. Collection method: clinical testing. Allele origin: germline.
Comment: This missense variant replaces glutamine with histidine at codon 544 of the KCNQ1 protein. Computational prediction suggests that this variant may have deleterious impact on protein structure and function (internally defined REVEL score threshold >= 0.7, PMID: 27666373). To our knowledge, functional studies have not been reported for this variant. This variant has not been reported in individuals affected with KCNQ1-related disorders in the literature. This variant has not been identified in the general population by the Genome Aggregation Database (gnomAD). The available evidence is insufficient to determine the role of this variant in disease conclusively. Therefore, this variant is classified as a Variant of Uncertain Significance.

Revvity Omics, Revvity
Classification: Uncertain significance. Last evaluated: 2023-10-12. Review status: criteria provided, single submitter. Criteria: ACMG Guidelines, 2015. Collection method: clinical testing. Allele origin: germline.

NM_000218.3(KCNQ1):c.1632G>C (p.Gln544His)

Gene: KCNQ1 (potassium voltage-gated channel subfamily Q member 1; plus strand). Cytogenetic location: 11p15.5.
Variant type: single nucleotide variant.
Coding change: c.1632G>C on transcript NM_000218.3 (MANE Select); coding-DNA position 1632, G replaced by C.
Protein change: p.Gln544His; replaces glutamine 544 with histidine.
Molecular consequence: missense variant.
Genome position (GRCh38, 1-based): chr11:2,776,001, G>C. VCF-style: chr11-2776001-G-C. GRCh37 (hg19) VCF-style: chr11-2797231-G-C.
Other names: c.1536G>C, p.Gln512His (NM_001406836.1); c.1362G>C, p.Gln454His (NM_001406837.1); c.1092G>C, p.Gln364His (NM_001406838.1); c.1251G>C, p.Gln417His (NM_181798.2); short protein forms Q512H, Q417H, Q544H, Q364H, Q454H.
Identifiers: ClinVar variation 2773482 (VCV002773482.3), dbSNP rs1221610112, ClinGen allele CA379139142.